The following is an entry in ClinVar:

ClinVar aggregate classification (germline): Likely pathogenic (1 of 4 stars; one submission).

Conditions:
Hereditary diffuse gastric adenocarcinoma (HDGC). Also called: DIFFUSE GASTRIC AND LOBULAR BREAST CANCER SYNDROME. Identifiers: Orphanet 26106, MedGen C1708349, MONDO:0007648, OMIM 137215.

Submission:

Myriad Genetics, Inc.
Classification: Likely pathogenic for Hereditary diffuse gastric adenocarcinoma. Last evaluated: 2023-06-09. Review status: criteria provided, single submitter. Criteria: Myriad Autosomal Dominant, Autosomal Recessive and X-Linked Classification Criteria (2023). Collection method: clinical testing. Allele origin: unknown.
Comment: This variant is considered likely pathogenic. This variant occurs within a consensus splice junction and is predicted to result in abnormal mRNA splicing of either an out-of-frame exon or an in-frame exon necessary for protein stability and/or normal function.

NM_004360.5(CDH1):c.531+2T>C

Gene: CDH1 (cadherin 1; plus strand). Cytogenetic location: 16q22.1.
Variant type: single nucleotide variant.
Coding change: c.531+2T>C on transcript NM_004360.5 (MANE Select); the canonical splice donor site of the intron after coding-DNA position 531, T replaced by C.
Molecular consequence: splice donor variant.
Genome position (GRCh38, 1-based): chr16:68,808,569, T>C. VCF-style: chr16-68808569-T-C. GRCh37 (hg19) VCF-style: chr16-68842472-T-C.
Other names: c.-1085+2T>C (NM_001317185.2); c.-1289+2T>C (NM_001317186.2); c.531+2T>C (NM_001317184.2).
Identifiers: ClinVar variation 2583186 (VCV002583186.2), dbSNP rs1597890755, ClinGen allele CA396457828.